The following is an entry in ClinVar:

ClinVar aggregate classification (germline): Uncertain significance (1 of 4 stars; one submission).

Conditions:
Anemia, nonspherocytic hemolytic, due to G6PD deficiency (CNSHA1). Also called: Hemolytic anemia due to G6PD deficiency; Class I glucose-6-phosphate dehydrogenase deficiency; Favism, susceptibility to; ANEMIA, CONGENITAL, NONSPHEROCYTIC HEMOLYTIC, 1. Identifiers: Orphanet 466026, MedGen C2720289, MONDO:0010480, OMIM 300908.

Submission:

Dunham Lab, University of Washington
Classification: Uncertain significance for Anemia, nonspherocytic hemolytic, due to G6PD deficiency. Last evaluated: 2024-09-01. Review status: criteria provided, single submitter. Criteria: ACMG Guidelines, 2015. Collection method: curation. Allele origin: unknown. Affected: yes.
Comment: Not found in gnomAD (PM2). Post_P 0.500 (odds of pathogenicity 9.01, Prior_P 0.1).

Literature cited by the submitters: PubMed 38970298.

NM_001360016.2(G6PD):c.1312G>A (p.Glu438Lys)

Gene: G6PD (glucose-6-phosphate dehydrogenase; minus strand). Cytogenetic location: Xq28.
Variant type: single nucleotide variant.
Coding change: c.1312G>A on transcript NM_001360016.2 (MANE Select); coding-DNA position 1312, G replaced by A.
Protein change: p.Glu438Lys; replaces glutamic acid 438 with lysine.
Molecular consequence: missense variant.
Genome position (GRCh38, 1-based): chrX:154,532,438, C>T on the plus strand (G>A on the coding strand, the complement: G6PD is on the minus strand). VCF-style: chrX-154532438-C-T. GRCh37 (hg19) VCF-style: chrX-153760653-C-T.
Other names: c.1402G>A, p.Glu468Lys (NM_000402.4); c.1312G>A, p.Glu438Lys (NM_001042351.3); short protein forms E438K, E468K.
Identifiers: ClinVar variation 3339511 (VCV003339511.1).